The following is an entry in ClinVar:

ClinVar aggregate classification (germline): Conflicting classifications of pathogenicity. Review status: criteria provided, conflicting classifications (1 of 4 stars). 5 submissions from 5 submitters: Uncertain significance (2); Likely benign (3). Last evaluated 2026-01-28.

Conditions:
Neuromuscular disease caused by qualitative or quantitative defects of dysferlin. Also called: Dysferlinopathy; Qualitative or quantitative defects of dysferlin. Identifiers: Orphanet 207073, MedGen C2931687, MONDO:0016145.

Allele frequency attached by ClinVar (database versions not stated): gnomAD 0.00009; ExAC 0.00010; gnomAD exomes 0.00010 and 0.00028; TOPMed 0.00010; ESP Exome Variant Server 0.00023.
gnomAD v4.1: 422 of 1,614,026 alleles (0.026%); highest among the groups gnomAD compares: Non-Finnish European, 0.034%; no homozygotes.

Submissions (5):

Labcorp Genetics (formerly Invitae), Labcorp
Classification: Likely benign for Neuromuscular disease caused by qualitative or quantitative defects of dysferlin. Last evaluated: 2026-01-28. Review status: criteria provided, single submitter. Criteria: Invitae Variant Classification Sherloc (09022015). Collection method: clinical testing. Allele origin: germline.

CeGaT Center for Human Genetics Tuebingen
Classification: Likely benign. Last evaluated: 2022-11-01. Review status: criteria provided, single submitter. Criteria: CeGaT Center For Human Genetics Tuebingen Variant Classification Criteria Version 2. Collection method: clinical testing. Allele origin: germline. Affected: yes. Observed: 2 variant alleles.
Comment: DYSF: BP4, BP7

GeneDx
Classification: Likely benign. Last evaluated: 2018-12-03. Review status: criteria provided, single submitter. Criteria: GeneDx Variant Classification Process June 2021. Collection method: clinical testing. Allele origin: germline. Affected: yes.

Illumina Laboratory Services, Illumina
Classification: Uncertain significance for Qualitative or quantitative defects of dysferlin. Last evaluated: 2018-01-13. Review status: criteria provided, single submitter. Criteria: ICSL Variant Classification Criteria 13 December 2019. Collection method: clinical testing. Allele origin: germline.

Eurofins Ntd Llc (ga)
Classification: Uncertain significance. Last evaluated: 2017-03-20. Review status: criteria provided, single submitter. Criteria: EGL Classification Definitions 2015. Collection method: clinical testing. Allele origin: germline. Observed: 4 variant alleles, 4 heterozygotes.

NM_001130987.2(DYSF):c.1008C>T (p.Asp336=)

Gene: DYSF (dysferlin; plus strand). Cytogenetic location: 2p13.2.
Variant type: single nucleotide variant.
Coding change: c.1008C>T on transcript NM_001130987.2 (MANE Select); coding-DNA position 1008, C replaced by T.
Protein change: p.Asp336=; no amino-acid change (aspartic acid 336 retained).
Molecular consequence: synonymous variant.
Genome position (GRCh38, 1-based): chr2:71,520,183, C>T. VCF-style: chr2-71520183-C-T. GRCh37 (hg19) VCF-style: chr2-71747313-C-T.
Other names: c.915C>T, p.Asp305= (NM_001130455.2, NM_001130983.2, NM_001130984.2 and 1 more transcripts); c.912C>T, p.Asp304= (NM_001130976.2, NM_001130977.2, NM_001130978.2 and 1 more transcripts); c.1005C>T, p.Asp335= (NM_001130979.2, NM_001130980.2, NM_001130981.2); c.1008C>T, p.Asp336= (NM_001130982.2, NM_001130985.2).
Identifiers: ClinVar variation 285822 (VCV000285822.54), dbSNP rs146687581, ClinGen allele CA1705569.